The following is an entry in ClinVar:

ClinVar aggregate classification (germline): Uncertain significance (1 of 4 stars; one submission).

Allele frequency attached by ClinVar (database versions not stated): gnomAD exomes below 0.00001; TOPMed below 0.00001; ExAC 0.00001.

Submission:

Labcorp Genetics (formerly Invitae), Labcorp
Classification: Uncertain significance. Last evaluated: 2021-10-28. Review status: criteria provided, single submitter. Criteria: Invitae Variant Classification Sherloc (09022015). Collection method: clinical testing. Allele origin: germline.
Comment: In summary, the available evidence is currently insufficient to determine the role of this variant in disease. Therefore, it has been classified as a Variant of Uncertain Significance. Algorithms developed to predict the effect of missense changes on protein structure and function (SIFT, PolyPhen-2, Align-GVGD) all suggest that this variant is likely to be tolerated. This variant has not been reported in the literature in individuals affected with VPS13C-related conditions. This variant is present in population databases (rs775215152, gnomAD 0.006%). This sequence change replaces lysine, which is basic and polar, with glutamic acid, which is acidic and polar, at codon 574 of the VPS13C protein (p.Lys574Glu).

NM_020821.3(VPS13C):c.1720A>G (p.Lys574Glu)

Gene: VPS13C (vacuolar protein sorting 13 homolog C; minus strand). Cytogenetic location: 15q22.2.
Variant type: single nucleotide variant.
Coding change: c.1720A>G on transcript NM_020821.3 (MANE Select); coding-DNA position 1720, A replaced by G.
Protein change: p.Lys574Glu; replaces lysine 574 with glutamic acid.
Molecular consequence: missense variant.
Genome position (GRCh38, 1-based): chr15:61,984,858, T>C on the plus strand (A>G on the coding strand, the complement: VPS13C is on the minus strand). VCF-style: chr15-61984858-T-C. GRCh37 (hg19) VCF-style: chr15-62277057-T-C.
Other names: c.1720A>G, p.Lys574Glu (NM_001018088.3); c.1591A>G, p.Lys531Glu (NM_017684.5, NM_018080.4); short protein forms K531E, K574E.
Identifiers: ClinVar variation 1376828 (VCV001376828.6), dbSNP rs775215152, ClinGen allele CA7596960.
Genomic context (GRCh38, chr15:61,984,858, plus strand): 5'-ATTTTTTGCCTAAAACTATAACTAAAAGTAAAAATTGAAATAAGTTTTTAAAAACTTACT[T>C]AAGTGCTTGTGCTCCTGGTCGCTGAGATACTTGAGTGCCCAGGCCAATTATCTGAATTTT-3'
Protein context (NP_065872.1, residues 564-584): VSQRPGAQAL[Lys574Glu]VEAKLEHWYI